The following is an entry in ClinVar:

NM_000204.5(CFI):c.1205C>T (p.Pro402Leu)

Gene: CFI (complement factor I; minus strand). Cytogenetic location: 4q25.
Variant type: single nucleotide variant.
Coding change: c.1205C>T on transcript NM_000204.5 (MANE Select); coding-DNA position 1205, C replaced by T.
Protein change: p.Pro402Leu; replaces proline 402 with leucine.
Molecular consequence: missense variant. On other transcripts: non-coding transcript variant (2).
Genome position (GRCh38, 1-based): chr4:109,746,446, G>A on the plus strand (C>T on the coding strand, the complement: CFI is on the minus strand). VCF-style: chr4-109746446-G-A. GRCh37 (hg19) VCF-style: chr4-110667602-G-A.
Other names: c.1226C>T, p.Pro409Leu (NM_001440985.1, NM_001440986.1); c.1229C>T, p.Pro410Leu (NM_001440988.1, NM_001318057.2, NM_001375278.1); c.1205C>T, p.Pro402Leu (NM_001440989.1, NM_001375279.1, NM_001375281.1); c.1184C>T, p.Pro395Leu (NM_001440991.1, NM_001331035.2, NM_001375280.1 and 1 more transcripts); c.1148C>T, p.Pro383Leu (NM_001375283.1); c.596C>T, p.Pro199Leu (NM_001375284.1); short protein forms P402L, P199L, P383L, P395L, P409L, P410L.
Identifiers: ClinVar variation 4774538 (VCV004774538.1).

ClinVar aggregate classification (germline): Uncertain significance (1 of 4 stars; one submission).

gnomAD v4.1: 5 of 1,613,762 alleles (0.00031%); highest among the groups gnomAD compares: Admixed American, 0.0083%; no homozygotes.

Submission:

Labcorp Genetics (formerly Invitae), Labcorp
Classification: Uncertain significance. Last evaluated: 2025-12-25. Review status: criteria provided, single submitter. Criteria: Invitae Variant Classification Sherloc (09022015). Collection method: clinical testing. Allele origin: germline.
Comment: This sequence change replaces proline, which is neutral and non-polar, with leucine, which is neutral and non-polar, at codon 402 of the CFI protein (p.Pro402Leu). This variant is present in population databases (rs756096859, gnomAD 0.01%). This missense change has been observed in individual(s) with clinical features of CFI-related disorders (PMID: 38852887). Invitae Evidence Modeling of protein sequence and biophysical properties (such as structural, functional, and spatial information, amino acid conservation, physicochemical variation, residue mobility, and thermodynamic stability) indicates that this missense variant is not expected to disrupt CFI protein function with a negative predictive value of 80%. In summary, the available evidence is currently insufficient to determine the role of this variant in disease. Therefore, it has been classified as a Variant of Uncertain Significance.

Literature cited by the submitters: PubMed 38852887.